The following is an entry in ClinVar:

NM_001127198.5(TMC6):c.239G>A (p.Arg80His)

Gene: TMC6 (transmembrane channel like 6; minus strand). Cytogenetic location: 17q25.3.
Variant type: single nucleotide variant.
Coding change: c.239G>A on transcript NM_001127198.5 (MANE Select); coding-DNA position 239, G replaced by A.
Protein change: p.Arg80His; replaces arginine 80 with histidine.
Molecular consequence: missense variant. On other transcripts: non-coding transcript variant (4).
Genome position (GRCh38, 1-based): chr17:78,126,309, C>T on the plus strand (G>A on the coding strand, the complement: TMC6 is on the minus strand). VCF-style: chr17-78126309-C-T. GRCh37 (hg19) VCF-style: chr17-76122390-C-T.
Other names: c.239G>A, p.Arg80His (NM_001321185.1, NM_001374593.1, NM_001374594.1 and 4 more transcripts); short protein forms R80H.
Identifiers: ClinVar variation 1419114 (VCV001419114.6), dbSNP rs1285558240, ClinGen allele CA401236040.

ClinVar aggregate classification (germline): Uncertain significance (1 of 4 stars; one submission).

Conditions:
Epidermodysplasia verruciformis. Identifiers: Orphanet 302, MedGen C0014522, MONDO:0009176.

Allele frequency attached by ClinVar (database versions not stated): gnomAD 0.00001; TOPMed 0.00001.
gnomAD v4.1: 10 of 1,567,312 alleles (0.00064%); highest among the groups gnomAD compares: Admixed American, 0.0018%; no homozygotes.

Submission:

Labcorp Genetics (formerly Invitae), Labcorp
Classification: Uncertain significance for Epidermodysplasia verruciformis. Last evaluated: 2025-12-24. Review status: criteria provided, single submitter. Criteria: Invitae Variant Classification Sherloc (09022015). Collection method: clinical testing. Allele origin: germline.
Comment: This sequence change replaces arginine, which is basic and polar, with histidine, which is basic and polar, at codon 80 of the TMC6 protein (p.Arg80His). The frequency data for this variant in the population databases is considered unreliable, as metrics indicate poor data quality at this position in the gnomAD database. This variant has not been reported in the literature in individuals affected with TMC6-related conditions. ClinVar contains an entry for this variant (Variation ID: 1419114). An algorithm developed to predict the effect of missense changes on protein structure and function (PolyPhen-2) suggests that this variant is likely to be disruptive. In summary, the available evidence is currently insufficient to determine the role of this variant in disease. Therefore, it has been classified as a Variant of Uncertain Significance.